The following is an entry in ClinVar:

NM_001085458.2(CTNND1):c.2104A>T (p.Ile702Phe)

Genes: CTNND1 (catenin delta 1; plus strand), TMX2-CTNND1 (TMX2-CTNND1 readthrough (NMD candidate); plus strand). Cytogenetic location: 11q12.1.
Variant type: single nucleotide variant.
Coding change: c.2104A>T on transcript NM_001085458.2 (MANE Select); coding-DNA position 2104, A replaced by T.
Protein change: p.Ile702Phe; replaces isoleucine 702 with phenylalanine.
Molecular consequence: missense variant. On other transcripts: non-coding transcript variant (1).
Genome position (GRCh38, 1-based): chr11:57,808,402, A>T. VCF-style: chr11-57808402-A-T. GRCh37 (hg19) VCF-style: chr11-57575874-A-T.
Other names: c.2086A>T, p.Ile696Phe (NM_001085459.2, NM_001085460.2, NM_001085461.2 and 2 more transcripts); c.1801A>T, p.Ile601Phe (NM_001085463.2, NM_001085466.2); c.1783A>T, p.Ile595Phe (NM_001085464.2, NM_001085465.2, NM_001085467.2 and 3 more transcripts); c.1942A>T, p.Ile648Phe (NM_001206883.2, NM_001206884.2); c.2104A>T, p.Ile702Phe (NM_001206885.2); c.1924A>T, p.Ile642Phe (NM_001206886.2, NM_001206887.2, NM_001206888.2 and 2 more transcripts); short protein forms I595F, I601F, I642F, I648F, I696F, I702F.
Identifiers: ClinVar variation 3252750 (VCV003252750.1), dbSNP rs2497663282.
Genomic context (GRCh38, chr11:57,808,402, plus strand): 5'-TTGCTGCCATTTGTAATTTGTTCCACCCCTTTCTATTTGCTATTCTAGTATGGTCGATAC[A>T]TCCGCTCTGCTCTGCGTCAAGAGAAGGCTCTTTCTGCCATAGCTGACCTCCTGACTAATG-3'
Protein context (NP_001078927.1, residues 692-712): CAGRWTYGRY[Ile702Phe]RSALRQEKAL

ClinVar aggregate classification (germline): Uncertain significance (1 of 4 stars; one submission).

Allele frequency attached by ClinVar (database versions not stated): gnomAD exomes below 0.00001.
gnomAD v4.1: 2 of 1,610,182 alleles (0.00012%); highest among the groups gnomAD compares: Non-Finnish European, 0.00017%; no homozygotes.

Submission:

GeneDx
Classification: Uncertain significance. Last evaluated: 2023-04-18. Review status: criteria provided, single submitter. Criteria: GeneDx Variant Classification Process June 2021. Collection method: clinical testing. Allele origin: germline. Affected: yes.
Comment: Not observed at significant frequency in large population cohorts (gnomAD); In silico analysis supports that this missense variant has a deleterious effect on protein structure/function; Has not been previously published as pathogenic or benign to our knowledge